The following is an entry in ClinVar:

ClinVar aggregate classification (germline): Uncertain significance. Review status: criteria provided, multiple submitters, no conflicts (2 of 4 stars). 2 submissions from 2 submitters: Uncertain significance (2). Last evaluated 2024-11-26.

Conditions:
Hereditary cancer-predisposing syndrome. Also called: Neoplastic Syndromes, Hereditary; Hereditary Cancer Syndrome; Hereditary neoplastic syndrome; Tumor predisposition. Identifiers: Orphanet 140162, MedGen C0027672, MeSH D009386, MONDO:0015356.
Hereditary nonpolyposis colorectal neoplasms. Identifiers: MedGen C0009405, MeSH D003123.

Submissions (2):

Ambry Genetics
Classification: Uncertain significance for Hereditary cancer-predisposing syndrome. Last evaluated: 2024-11-26. Review status: criteria provided, single submitter. Criteria: Ambry Variant Classification Scheme 2023. Collection method: clinical testing. Allele origin: germline.
Comment: The p.C1032S variant (also known as c.3094T>A), located in coding exon 4 of the MSH6 gene, results from a T to A substitution at nucleotide position 3094. The cysteine at codon 1032 is replaced by serine, an amino acid with dissimilar properties. This amino acid position is highly conserved in available vertebrate species. In addition, this alteration is predicted to be deleterious by in silico analysis. Since supporting evidence is limited at this time, the clinical significance of this alteration remains unclear.

Labcorp Genetics (formerly Invitae), Labcorp
Classification: Uncertain significance for Hereditary nonpolyposis colorectal neoplasms. Last evaluated: 2024-07-16. Review status: criteria provided, single submitter. Criteria: Invitae Variant Classification Sherloc (09022015). Collection method: clinical testing. Allele origin: germline.
Comment: This sequence change replaces cysteine, which is neutral and slightly polar, with serine, which is neutral and polar, at codon 1032 of the MSH6 protein (p.Cys1032Ser). This variant is not present in population databases (gnomAD no frequency). This variant has not been reported in the literature in individuals affected with MSH6-related conditions. ClinVar contains an entry for this variant (Variation ID: 1420421). Advanced modeling of protein sequence and biophysical properties (such as structural, functional, and spatial information, amino acid conservation, physicochemical variation, residue mobility, and thermodynamic stability) performed at Invitae indicates that this missense variant is not expected to disrupt MSH6 protein function with a negative predictive value of 95%. In summary, the available evidence is currently insufficient to determine the role of this variant in disease. Therefore, it has been classified as a Variant of Uncertain Significance.

NM_000179.3(MSH6):c.3094T>A (p.Cys1032Ser)

Gene: MSH6 (mutS homolog 6; plus strand). Cytogenetic location: 2p16.3.
Variant type: single nucleotide variant.
Coding change: c.3094T>A on transcript NM_000179.3 (MANE Select); coding-DNA position 3094, T replaced by A.
Protein change: p.Cys1032Ser; replaces cysteine 1032 with serine.
Molecular consequence: missense variant.
Genome position (GRCh38, 1-based): chr2:47,801,077, T>A. VCF-style: chr2-47801077-T-A. GRCh37 (hg19) VCF-style: chr2-48028216-T-A.
Other names: c.2704T>A, p.Cys902Ser (NM_001281492.2); c.2188T>A, p.Cys730Ser (NM_001281493.2, NM_001281494.2); short protein forms C1032S, C730S, C902S.
Identifiers: ClinVar variation 1420421 (VCV001420421.10), dbSNP rs1572730085, ClinGen allele CA346756590.